The following is an entry in ClinVar:

ClinVar aggregate classification (germline): Uncertain significance (1 of 4 stars; one submission).

Submission:

Labcorp Genetics (formerly Invitae), Labcorp
Classification: Uncertain significance. Last evaluated: 2024-03-17. Review status: criteria provided, single submitter. Criteria: Invitae Variant Classification Sherloc (09022015). Collection method: clinical testing. Allele origin: germline.
Comment: This sequence change replaces alanine, which is neutral and non-polar, with proline, which is neutral and non-polar, at codon 85 of the KCNQ5 protein (p.Ala85Pro). This variant is not present in population databases (gnomAD no frequency). This variant has not been reported in the literature in individuals affected with KCNQ5-related conditions. Advanced modeling of protein sequence and biophysical properties (such as structural, functional, and spatial information, amino acid conservation, physicochemical variation, residue mobility, and thermodynamic stability) performed at Invitae indicates that this missense variant is not expected to disrupt KCNQ5 protein function with a negative predictive value of 95%. In summary, the available evidence is currently insufficient to determine the role of this variant in disease. Therefore, it has been classified as a Variant of Uncertain Significance.

NM_019842.4(KCNQ5):c.253G>C (p.Ala85Pro)

Genes: KCNQ5 (potassium voltage-gated channel subfamily Q member 5; plus strand), KCNQ5-DT (KCNQ5 divergent transcript; minus strand). Cytogenetic location: 6q13.
Variant type: single nucleotide variant.
Coding change: c.253G>C on transcript NM_019842.4 (MANE Select); coding-DNA position 253, G replaced by C.
Protein change: p.Ala85Pro; replaces alanine 85 with proline.
Molecular consequence: missense variant.
Genome position (GRCh38, 1-based): chr6:72,622,442, G>C. VCF-style: chr6-72622442-G-C. GRCh37 (hg19) VCF-style: chr6-73332170-G-C.
Other names: c.253G>C, p.Ala85Pro (NM_001160130.2, NM_001160132.2, NM_001160133.2 and 1 more transcripts); short protein forms A85P.
Identifiers: ClinVar variation 3635313 (VCV003635313.2), dbSNP rs2098915802.